The following is an entry in ClinVar:

NM_020320.5(RARS2):c.445dup (p.Ile149fs)

Gene: RARS2 (arginyl-tRNA synthetase 2, mitochondrial; minus strand). Cytogenetic location: 6q15.
Variant type: Duplication.
Coding change: c.445dup on transcript NM_020320.5 (MANE Select); coding-DNA position 445, one base duplicated (A; older notation c.445dupA).
Protein change: p.Ile149fs; shifts the reading frame from isoleucine 149.
Molecular consequence: frameshift variant. On other transcripts: 5 prime UTR variant (5), non-coding transcript variant (15), intron variant (2).
Genome position (GRCh38, 1-based): chr6:87,548,597, T duplicated on the plus strand (A on the coding strand, the reverse complement: RARS2 is on the minus strand). VCF-style (leftmost placement, unchanged base first): chr6-87548596-A-AT. GRCh37 (hg19) VCF-style: chr6-88258314-A-AT.
Other names: c.445dup, p.Ile149fs (NM_001350505.2); c.-81dup (NM_001350506.2, NM_001350507.2, NM_001350508.2 and 2 more transcripts); c.-74-2898dup (NM_001350509.2, NM_001318785.2); short protein forms I149fs.
Identifiers: ClinVar variation 4736438 (VCV004736438.1).

ClinVar aggregate classification (germline): Pathogenic (1 of 4 stars; one submission).

Submission:

Labcorp Genetics (formerly Invitae), Labcorp
Classification: Pathogenic. Last evaluated: 2026-01-28. Review status: criteria provided, single submitter. Criteria: Invitae Variant Classification Sherloc (09022015). Collection method: clinical testing. Allele origin: germline.
Comment: This sequence change creates a premature translational stop signal (p.Ile149Asnfs*43) in the RARS2 gene. It is expected to result in an absent or disrupted protein product. Loss-of-function variants in RARS2 are known to be pathogenic (PMID: 17847012, 22569581, 26083569). This variant is not present in population databases (gnomAD no frequency). This variant has not been reported in the literature in individuals affected with RARS2-related conditions. For these reasons, this variant has been classified as Pathogenic.

Literature cited by the submitters: PubMed 17847012; PubMed 22569581; PubMed 26083569.